The following is an entry in ClinVar:

NM_001451.3(FOXF1):c.1066A>G (p.Met356Val)

Gene: FOXF1 (forkhead box F1; plus strand). Cytogenetic location: 16q24.1.
Variant type: single nucleotide variant.
Coding change: c.1066A>G on transcript NM_001451.3 (MANE Select); coding-DNA position 1066, A replaced by G.
Protein change: p.Met356Val; replaces methionine 356 with valine.
Molecular consequence: missense variant.
Genome position (GRCh38, 1-based): chr16:86,513,011, A>G. VCF-style: chr16-86513011-A-G. GRCh37 (hg19) VCF-style: chr16-86546617-A-G.
Other names: short protein forms M356V.
Identifiers: ClinVar variation 4704749 (VCV004704749.1).

ClinVar aggregate classification (germline): Uncertain significance (1 of 4 stars; one submission).

Submission:

Labcorp Genetics (formerly Invitae), Labcorp
Classification: Uncertain significance. Last evaluated: 2025-09-11. Review status: criteria provided, single submitter. Criteria: Invitae Variant Classification Sherloc (09022015). Collection method: clinical testing. Allele origin: germline.
Comment: This sequence change replaces methionine, which is neutral and non-polar, with valine, which is neutral and non-polar, at codon 356 of the FOXF1 protein (p.Met356Val). This variant is present in population databases (rs751518997, gnomAD 0.007%). This variant has not been reported in the literature in individuals affected with FOXF1-related conditions. Invitae Evidence Modeling of protein sequence and biophysical properties (such as structural, functional, and spatial information, amino acid conservation, physicochemical variation, residue mobility, and thermodynamic stability) indicates that this missense variant is not expected to disrupt FOXF1 protein function with a negative predictive value of 80%. In summary, the available evidence is currently insufficient to determine the role of this variant in disease. Therefore, it has been classified as a Variant of Uncertain Significance.